The following is an entry in ClinVar:

NM_001366207.1(DLG1):c.2663C>T (p.Pro888Leu)

Gene: DLG1 (discs large MAGUK scaffold protein 1; minus strand). Cytogenetic location: 3q29.
Variant type: single nucleotide variant.
Coding change: c.2663C>T on transcript NM_001366207.1 (MANE Select); coding-DNA position 2663, C replaced by T.
Protein change: p.Pro888Leu; replaces proline 888 with leucine.
Molecular consequence: missense variant. On other transcripts: non-coding transcript variant (4).
Genome position (GRCh38, 1-based): chr3:197,044,642, G>A on the plus strand (C>T on the coding strand, the complement: DLG1 is on the minus strand). VCF-style: chr3-197044642-G-A. GRCh37 (hg19) VCF-style: chr3-196771513-G-A.
Other names: c.2696C>T, p.Pro899Leu (NM_001098424.1, NM_001290983.2, NM_001366218.1); c.2660C>T, p.Pro887Leu (NM_001204386.1, NM_001366205.1, NM_001366213.1); c.2384C>T, p.Pro795Leu (NM_001204387.2); c.2348C>T, p.Pro783Leu (NM_001204388.2); c.2663C>T, p.Pro888Leu (NM_001363865.1, NM_001366210.1, NM_001366215.1); c.2579C>T, p.Pro860Leu (NM_001366203.1); c.2597C>T, p.Pro866Leu (NM_001366204.1, NM_001366208.1, NM_001366209.1 and 1 more transcripts); c.2609C>T, p.Pro870Leu (NM_001366206.1); and 7 more; short protein forms P783L, P795L, P816L, P828L, P848L, P860L, P866L, P869L.
Identifiers: ClinVar variation 3056864 (VCV003056864.2), dbSNP rs34492126, ClinGen allele CA2785063.
Genomic context (GRCh38, chr3:197,044,642, plus strand): 5'-AAATGGAATTGTGGAAAAGAGAAACAGAGAAACATGAGTTTTCATAGCTTTTCTTTTGCC[G>A]GAACCCAGATGTAAGAACCAGATTGTTCTTCTATGATCTGTTTCACTTGGTTGTAAATGT-3'
Protein context (NP_001353136.1, residues 878-893): EEQSGSYIWV[Pro888Leu]AKEKL

ClinVar aggregate classification (germline): Benign (0 of 4 stars; one submission).

Conditions:
DLG1-related disorder. Also called: DLG1-related condition.

Allele frequency attached by ClinVar (database versions not stated): 1000 Genomes Project 30x 0.02467; 1000 Genomes Project 0.02516; TOPMed 0.03077; ESP Exome Variant Server 0.03552; gnomAD 0.03728; ExAC 0.04349; gnomAD exomes 0.04646.
gnomAD v4.1: 72,697 of 1,600,904 alleles (4.5%); highest among the groups gnomAD compares: South Asian, 5.3%; 1,993 homozygotes.

Submission:

PreventionGenetics, part of Exact Sciences
Classification: Benign for DLG1-related condition. Last evaluated: 2019-09-25. Review status: no assertion criteria provided. Collection method: clinical testing. Allele origin: germline.
Comment: This variant is classified as benign based on ACMG/AMP sequence variant interpretation guidelines (Richards et al. 2015 PMID: 25741868, with internal and published modifications).